The following is an entry in ClinVar:

NM_001367624.2(ZNF469):c.2714C>G (p.Thr905Arg)

Gene: ZNF469 (zinc finger protein 469; plus strand). Cytogenetic location: 16q24.2.
Variant type: single nucleotide variant.
Coding change: c.2714C>G on transcript NM_001367624.2 (MANE Select); coding-DNA position 2714, C replaced by G.
Protein change: p.Thr905Arg; replaces threonine 905 with arginine.
Molecular consequence: missense variant.
Genome position (GRCh38, 1-based): chr16:88,430,184, C>G. VCF-style: chr16-88430184-C-G. GRCh37 (hg19) VCF-style: chr16-88496592-C-G.
Other names: NM_001127464.1:c.2714C>G; short protein forms T905R.
Identifiers: ClinVar variation 3987304 (VCV003987304.1).
Genomic context (GRCh38, chr16:88,430,184, plus strand): 5'-TTAAGAGCAAGGCGGGGGTGACTCCAGAGAGCAAAGCTCCGCCCCCGCTCCCAGCAGCCA[C>G]GCCGGACCCCCAAACCCCCCGCCCTGGGGACAGGGGCTGCCCAGCCCGAGGCAGGCCCAA-3'
Protein context (NP_001354553.1, residues 895-915): SKAPPPLPAA[Thr905Arg]PDPQTPRPGD

ClinVar aggregate classification (germline): Uncertain significance (1 of 4 stars; one submission).

Conditions:
Cardiovascular phenotype. Identifiers: MedGen CN230736.

gnomAD v4.1: 3 of 1,547,880 alleles (0.00019%); highest among the groups gnomAD compares: Non-Finnish European, 0.00026%; no homozygotes.

Submission:

Ambry Genetics
Classification: Uncertain significance for Cardiovascular phenotype. Last evaluated: 2025-03-25. Review status: criteria provided, single submitter. Criteria: Ambry Variant Classification Scheme 2023. Collection method: clinical testing. Allele origin: germline.
Comment: The p.T905R variant (also known as c.2714C>G), located in coding exon 1 of the ZNF469 gene, results from a C to G substitution at nucleotide position 2714. The threonine at codon 905 is replaced by arginine, an amino acid with similar properties. This amino acid position is conserved. In addition, this alteration is predicted to be tolerated by in silico analysis. Based on the available evidence, the clinical significance of this variant remains unclear.